The following is an entry in ClinVar:

ClinVar aggregate classification (germline): Pathogenic. Review status: criteria provided, multiple submitters, no conflicts (2 of 4 stars). 8 submissions from 8 submitters: Pathogenic (8). Last evaluated 2025-06-23.

Conditions:
Neuromuscular disease caused by qualitative or quantitative defects of dysferlin. Also called: Qualitative or quantitative defects of dysferlin; Dysferlinopathy. Identifiers: Orphanet 207073, MedGen C2931687, MONDO:0016145.
Miyoshi muscular dystrophy 1 (MMD1). Identifiers: Orphanet 45448, MedGen C4551973, MONDO:0024545, OMIM 254130.
Autosomal recessive limb-girdle muscular dystrophy type 2B (LGMDR2). Also called: MUSCULAR DYSTROPHY, LIMB-GIRDLE, TYPE 3; Limb-Girdle Muscular Dystrophy Type 2B (LGMD2B); Limb-girdle muscular dystrophy, type 2B; MUSCULAR DYSTROPHY, LIMB-GIRDLE, AUTOSOMAL RECESSIVE 2. Identifiers: Orphanet 268, MedGen C1850889, MONDO:0009676, OMIM 253601.
Distal myopathy with anterior tibial onset. Identifiers: Orphanet 178400, MedGen C1847532, MONDO:0011721, OMIM 606768.

Allele frequency attached by ClinVar (database versions not stated): gnomAD exomes 0.00001; TOPMed 0.00002; gnomAD 0.00001.
gnomAD v4.1: 4 of 1,614,048 alleles (0.00025%); highest among the groups gnomAD compares: Admixed American, 0.005%; no homozygotes.

Submissions (8):

Natera, Inc.
Classification: Pathogenic for Limb-girdle muscular dystrophy type 2B. Last evaluated: 2025-06-23. Review status: criteria provided, single submitter. Criteria: Natera Variant Classification Schema (03/2026). Collection method: clinical testing. Allele origin: germline.
Comment: The c.3478C>T variant in DYSF is a nonsense variant predicted to introduce a stop codon at amino acid 1160. This variant is expected to result in nonsense mediated decay, truncation, or a dysfunctional protein product. This variant is rare in the general population with a frequency below the threshold expected for the associated phenotype(s). This variant has been observed in one or more individuals affected with the associated recessive disease, as either homozygous or compound heterozygous with a second variant (PMID: 35725460). Given the available evidence, this variant is classified as Pathogenic.

Revvity Omics, Revvity
Classification: Pathogenic. Last evaluated: 2024-12-19. Review status: criteria provided, single submitter. Criteria: ACMG Guidelines, 2015. Collection method: clinical testing. Allele origin: germline.

Labcorp Genetics (formerly Invitae), Labcorp
Classification: Pathogenic for Neuromuscular disease caused by qualitative or quantitative defects of dysferlin. Last evaluated: 2024-11-04. Review status: criteria provided, single submitter. Criteria: Invitae Variant Classification Sherloc (09022015). Collection method: clinical testing. Allele origin: germline.
Comment: This sequence change creates a premature translational stop signal (p.Gln1160*) in the DYSF gene. It is expected to result in an absent or disrupted protein product. Loss-of-function variants in DYSF are known to be pathogenic (PMID: 17698709, 20301480). This variant is present in population databases (no rsID available, gnomAD 0.006%). This premature translational stop signal has been observed in individual(s) with Miyoshi myopathy and limb-girdle muscular dystrophy (PMID: 11468312, 20544924; internal data). It has also been observed to segregate with disease in related individuals. ClinVar contains an entry for this variant (Variation ID: 281063). For these reasons, this variant has been classified as Pathogenic.

Fulgent Genetics
Classification: Pathogenic for Autosomal recessive limb-girdle muscular dystrophy type 2B; Miyoshi muscular dystrophy 1; Distal myopathy with anterior tibial onset. Last evaluated: 2024-03-19. Review status: criteria provided, single submitter. Criteria: ACMG Guidelines, 2015. Collection method: clinical testing. Allele origin: germline.

Baylor Genetics
Classification: Pathogenic for Miyoshi muscular dystrophy 1. Last evaluated: 2023-11-14. Review status: criteria provided, single submitter. Criteria: ACMG Guidelines, 2015. Collection method: clinical testing. Allele origin: unknown.

Eurofins Ntd Llc (ga)
Classification: Pathogenic. Last evaluated: 2017-01-16. Review status: criteria provided, single submitter. Criteria: EGL Classification Definitions 2015. Collection method: clinical testing. Allele origin: germline. Observed: 8 variant alleles, 6 heterozygotes, 2 homozygotes.

Athena Diagnostics
Classification: Pathogenic. Last evaluated: 2016-09-28. Review status: criteria provided, single submitter. Criteria: Athena Diagnostics Criteria. Collection method: clinical testing. Allele origin: germline.

Clinical Genetics Service, Universitary Hospital 12 de Octubre
Classification: Pathogenic for Autosomal recessive limb-girdle muscular dystrophy type 2B. Review status: criteria provided, single submitter. Criteria: ACMG Guidelines, 2015. Collection method: clinical testing. Allele origin: germline. Affected: yes.

Literature cited by the submitters: PubMed 35725460 (cited by Natera, Inc.); PubMed 17698709 (cited by Labcorp Genetics (formerly Invitae), Labcorp); PubMed 20301480 (cited by Labcorp Genetics (formerly Invitae), Labcorp); PubMed 11468312 (cited by Labcorp Genetics (formerly Invitae), Labcorp and Athena Diagnostics); PubMed 20544924 (cited by Labcorp Genetics (formerly Invitae), Labcorp and Athena Diagnostics); PubMed 19953532 (cited by Athena Diagnostics); PubMed 27104310 (cited by Athena Diagnostics).

NM_001130987.2(DYSF):c.3532C>T (p.Gln1178Ter)

Gene: DYSF (dysferlin; plus strand). Cytogenetic location: 2p13.2.
Variant type: single nucleotide variant.
Coding change: c.3532C>T on transcript NM_001130987.2 (MANE Select); coding-DNA position 3532, C replaced by T.
Protein change: p.Gln1178Ter; replaces glutamine 1178 with a stop codon.
Molecular consequence: nonsense.
Genome position (GRCh38, 1-based): chr2:71,590,246, C>T. VCF-style: chr2-71590246-C-T. GRCh37 (hg19) VCF-style: chr2-71817376-C-T.
Other names: c.3532C>T (NM_001130987.1); c.3481C>T, p.Gln1161Ter (NM_001130455.2, NM_001130983.2); c.3436C>T, p.Gln1146Ter (NM_001130976.2, NM_001130977.2); c.3478C>T, p.Gln1160Ter (NM_001130978.2, NM_003494.4); c.3571C>T, p.Gln1191Ter (NM_001130979.2); c.3529C>T, p.Gln1177Ter (NM_001130980.2, NM_001130981.2); c.3574C>T, p.Gln1192Ter (NM_001130982.2); c.3439C>T, p.Gln1147Ter (NM_001130984.2, NM_001130986.2); and 1 more; short protein forms Q1178*, Q1160*, Q1146*, Q1177*, Q1161*, Q1147*, Q1191*, Q1192*.
Identifiers: ClinVar variation 281063 (VCV000281063.23), dbSNP rs886042091, ClinGen allele CA10603799.
Genomic context (GRCh38, chr2:71,590,246, plus strand): 5'-ACCTCTGTTTTTTCCCTTGGTGAAGATGGGAACCGCTACCATCTACGCTGCTACATGTAC[C>T]AGGCCCGGGACCTGGCTGCGATGGACAAGGACTCTTTTTCTGGTAGGTGGGAGAGAGGCA-3'